The following is an entry in ClinVar:

NM_024537.4(CARS2):c.1238_1239insC (p.Phe414_Asp415insTer)

Gene: CARS2 (cysteinyl-tRNA synthetase 2, mitochondrial; minus strand). Cytogenetic location: 13q34.
Variant type: Insertion.
Coding change: c.1238_1239insC on transcript NM_024537.4 (MANE Select); coding-DNA positions 1238 to 1239, C inserted.
Protein change: p.Phe414_Asp415insTer.
Molecular consequence: frameshift variant. On other transcripts: non-coding transcript variant (2).
Genome position: GRCh38 VCF-style: chr13-110646045-A-AG. GRCh37 (hg19) VCF-style: chr13-111298392-A-AG.
Other names: c.452_453insC, p.Phe152_Asp153insTer (NM_001352252.2).
Identifiers: ClinVar variation 3377435 (VCV003377435.1).

ClinVar aggregate classification (germline): Likely pathogenic (1 of 4 stars; one submission).

Conditions:
Combined oxidative phosphorylation defect type 27. Also called: Combined oxidative phosphorylation deficiency 27. Identifiers: Orphanet 477774, MedGen C5567608, MONDO:0014728, OMIM 616672.

Submission:

Victorian Clinical Genetics Services, Murdoch Childrens Research Institute
Classification: Likely pathogenic for Combined oxidative phosphorylation defect type 27. Last evaluated: 2024-10-08. Review status: criteria provided, single submitter. Criteria: ACMG Guidelines, 2015. Collection method: clinical testing. Allele origin: germline. Inheritance: Autosomal recessive inheritance. Affected: yes.
Comment: Based on the classification scheme VCGS_Germline_v1.3.4, this variant is classified as Likely Pathogenic. Following criteria are met: 0102 - Loss of function is a known mechanism of disease in this gene and is associated with combined oxidative phosphorylation deficiency 27 (MIM#616672). (I) 0106 - This gene is associated with autosomal recessive disease. (I) 0201 - Variant is predicted to cause nonsense-mediated decay (NMD) and loss of protein (premature termination codon is located at least 54 nucleotides upstream of the final exon-exon junction). (SP) 0251 - This variant is heterozygous. (I) 0304 - Variant is present in gnomAD <0.01 for a recessive condition (1 heterozygote, 0 homozygotes). (SP) 0702 - Other NMD-predicted variants comparable to the one identified in this case have strong previous evidence for pathogenicity (DECIPHER). (SP) 0807 - This variant has no previous evidence of pathogenicity. (I) 0905 - No published segregation evidence has been identified for this variant. (I) 1007 - No published functional evidence has been identified for this variant. (I) 1201 - Heterozygous variant detected in trans with a second likely pathogenic heterozygous variant (NM_024537.3(CARS2):c.323T>G; p.(Phe108Cys)) in a recessive disease. (I) Legend: (SP) - Supporting pathogenic, (I) - Information, (SB) - Supporting benign